The following is an entry in ClinVar:

NM_001106.4(ACVR2B):c.1A>G (p.Met1Val)

Genes: ACVR2B-AS1 (ACVR2B antisense RNA 1; minus strand), ACVR2B (activin A receptor type 2B; plus strand), LOC129936486 (ATAC-STARR-seq lymphoblastoid silent region 14212; plus strand). Cytogenetic location: 3p22.2.
Variant type: single nucleotide variant.
Coding change: c.1A>G on transcript NM_001106.4 (MANE Select); coding-DNA position 1, A replaced by G.
Protein change: p.Met1Val; changes the start codon (methionine 1).
Molecular consequence: missense variant, initiator codon variant.
Genome position (GRCh38, 1-based): chr3:38,454,323, A>G. VCF-style: chr3-38454323-A-G. GRCh37 (hg19) VCF-style: chr3-38495814-A-G.
Other names: short protein forms M1V.
Identifiers: ClinVar variation 579672 (VCV000579672.6), dbSNP rs1559642966, ClinGen allele CA352120536.

ClinVar aggregate classification (germline): Uncertain significance (1 of 4 stars; one submission).

Conditions:
Heterotaxy, visceral, 4, autosomal (HTX4). Identifiers: Orphanet 450, MedGen C3151057, MONDO:0013403, OMIM 613751.

Submission:

Labcorp Genetics (formerly Invitae), Labcorp
Classification: Uncertain significance for Heterotaxy, visceral, 4, autosomal. Last evaluated: 2025-04-28. Review status: criteria provided, single submitter. Criteria: Invitae Variant Classification Sherloc (09022015). Collection method: clinical testing. Allele origin: germline.
Comment: This sequence change affects the initiator codon of the ACVR2B mRNA. This change may impact translation initiation or efficiency. The next in-frame methionine is located at codon 159. This variant is not present in population databases (gnomAD no frequency). This variant has not been reported in the literature in individuals affected with ACVR2B-related conditions. ClinVar contains an entry for this variant (Variation ID: 579672). In summary, the available evidence is currently insufficient to determine the role of this variant in disease. Therefore, it has been classified as a Variant of Uncertain Significance.